The following is an entry in ClinVar:

NM_001039591.3(USP9X):c.4319T>C (p.Phe1440Ser)

Gene: USP9X (ubiquitin specific peptidase 9 X-linked; plus strand). Cytogenetic location: Xp11.4.
Variant type: single nucleotide variant.
Coding change: c.4319T>C on transcript NM_001039591.3 (MANE Select); coding-DNA position 4319, T replaced by C.
Protein change: p.Phe1440Ser; replaces phenylalanine 1440 with serine.
Molecular consequence: missense variant.
Genome position (GRCh38, 1-based): chrX:41,197,449, T>C. VCF-style: chrX-41197449-T-C. GRCh37 (hg19) VCF-style: chrX-41056702-T-C.
Other names: c.4319T>C, p.Phe1440Ser (NM_001039590.3); c.4334T>C, p.Phe1445Ser (NM_001410748.1, NM_001410749.1); short protein forms F1440S, F1445S.
Identifiers: ClinVar variation 3376810 (VCV003376810.1).

ClinVar aggregate classification (germline): Uncertain significance (1 of 4 stars; one submission).

Conditions:
Intellectual developmental disorder, X-linked 99. Also called: Intellectual disability, X-linked 99. Identifiers: Orphanet 777, MedGen C3806746, MONDO:0010487, OMIM 300919.

Submission:

Victorian Clinical Genetics Services, Murdoch Childrens Research Institute
Classification: Uncertain significance for Intellectual developmental disorder, X-linked 99. Last evaluated: 2023-07-17. Review status: criteria provided, single submitter. Criteria: ACMG Guidelines, 2015. Collection method: clinical testing. Allele origin: germline. Inheritance: X-linked recessive inheritance. Affected: yes.
Comment: Based on the classification scheme VCGS_Germline_v1.3.4, this variant is classified as VUS-3A. Following criteria are met: 0102 - Loss of function is a known mechanism of disease in this gene and is associated with X-linked intellectual developmental disorder 99 (MIM#300919) and X-linked syndromic female-restricted intellectual developmental disorder 99 (MIM#300968). (I) 0108 - This gene is associated with both X-linked recessive and X-linked dominant disease. Partial loss of function variants are inherited in a X-linked recessive pattern, affecting predominantly males. Complete loss of function variants are inherited in a X-linked dominant pattern and are more severe affecting only females (PMID: 31443933, PMID: 26833328). (I) 0200 - Variant is predicted to result in a missense amino acid change from phenylalanine to serine. (I) 0253 - This variant is hemizygous. (I) 0301 - Variant is absent from gnomAD (both v2 and v3). (SP) 0501 - Missense variant consistently predicted to be damaging by multiple in silico tools or highly conserved with a major amino acid change. (SP) 0604 - Variant is not located in an established domain, motif, hotspot or informative constraint region. (I) 0705 - No comparable missense variants have previous evidence for pathogenicity. (I) 0807 - This variant has no previous evidence of pathogenicity. (I) 0905 - No published segregation evidence has been identified for this variant. (I) 1007 - No published functional evidence has been identified for this variant. (I) Legend: (SP) - Supporting pathogenic, (I) - Information, (SB) - Supporting benign

Literature cited by the submitters: PubMed 26833328; PubMed 31443933.